The following is an entry in ClinVar:

ClinVar aggregate classification (germline): Uncertain significance. Review status: criteria provided, single submitter (1 of 4 stars). 2 submissions from 2 submitters: Uncertain significance (1). 1 of the submissions does not count toward it. Last evaluated 2026-01-27.

Conditions:
HEMOGLOBIN TROLLHAETTAN.

Submissions (2):

Women's Health and Genetics/Laboratory Corporation of America, LabCorp
Classification: Uncertain significance. Last evaluated: 2026-01-27. Review status: criteria provided, single submitter. Criteria: LabCorp Variant Classification Summary - May 2015. Collection method: clinical testing. Allele origin: germline.
Comment: Variant summary: HBB c.62T>A (p.Val21Glu), also referred to as Hb Trollhattan, results in a non-conservative amino acid change in the encoded protein sequence. Algorithms developed to predict the effect of missense changes on protein structure and function are either unavailable or do not agree on the potential impact of this missense change. The variant was absent in 251260 control chromosomes. The available data on variant occurrences in the general population are insufficient to allow any conclusion about variant significance. c.62T>A has been observed in the heterozygous state in an individual affected with moderate erythrocytosis (Landin_1994). Analysis of blood from the proband indicated the variant was associated with an increased oxygen affinity (Landid_1994). A different variant affecting the same codon has been classified as pathogenic by our lab for autosomal dominant erythrocytosis (c.61G>A, p.Val21Met), supporting the critical relevance of codon 21 to HBB protein function. The following publication has been ascertained in the context of this evaluation (PMID: 7914875). ClinVar contains an entry for this variant (Variation ID: 15539). Based on the evidence outlined above, the variant was classified as VUS-possibly pathogenic.

OMIM
Classification: other for HEMOGLOBIN TROLLHAETTAN. Last evaluated: 2017-12-12. Review status: no assertion criteria provided. Collection method: literature only. Allele origin: germline. Not counted in ClinVar's aggregate classification.

Literature cited by the submitters: PubMed 7914875 (cited by Women's Health and Genetics/Laboratory Corporation of America, LabCorp); PubMed 8571935 (cited by OMIM).

NM_000518.5(HBB):c.62T>A (p.Val21Glu)

Genes: HBB (hemoglobin subunit beta; minus strand), LOC106099062 (HBB recombination region; plus strand), LOC107133510 (origin of replication at HBB; plus strand). Cytogenetic location: 11p15.4.
Variant type: single nucleotide variant.
Coding change: c.62T>A on transcript NM_000518.5 (MANE Select); coding-DNA position 62, T replaced by A.
Protein change: p.Val21Glu; replaces valine 21 with glutamic acid.
Molecular consequence: missense variant.
Genome position (GRCh38, 1-based): chr11:5,226,960, A>T on the plus strand (T>A on the coding strand, the complement: HBB is on the minus strand). VCF-style: chr11-5226960-A-T. GRCh37 (hg19) VCF-style: chr11-5248190-A-T.
Other names: V20E; Hb Trollhättan; short protein forms V21E.
Identifiers: ClinVar variation 15539 (VCV000015539.3), dbSNP rs33918474, ClinGen allele CA125418.
Genomic context (GRCh38, chr11:5,226,960, plus strand): 5'-TTAAACCTGTCTTGTAACCTTGATACCAACCTGCCCAGGGCCTCACCACCAACTTCATCC[A>T]CGTTCACCTTGCCCCACAGGGCAGTAACGGCAGACTTCTCCTCAGGAGTCAGATGCACCA-3'
Protein context (NP_000509.1, residues 11-31): AVTALWGKVN[Val21Glu]DEVGGEALGR